The following is an entry in ClinVar:

ClinVar aggregate classification (germline): Uncertain significance. Review status: criteria provided, multiple submitters, no conflicts (2 of 4 stars). 3 submissions from 3 submitters: Uncertain significance (3). Last evaluated 2025-04-08.

Conditions:
DICER1-related tumor predisposition. Also called: DICER1-related pleuropulmonary blastoma cancer predisposition syndrome; DICER1 syndrome. Identifiers: Orphanet 284343, MedGen C3839822, MONDO:0100216.
Hereditary cancer-predisposing syndrome. Also called: Neoplastic Syndromes, Hereditary; Hereditary Cancer Syndrome; Tumor predisposition; Hereditary neoplastic syndrome. Identifiers: Orphanet 140162, MedGen C0027672, MeSH D009386, MONDO:0015356.

Allele frequency attached by ClinVar (database versions not stated): TOPMed 0.00002.

Submissions (3):

Labcorp Genetics (formerly Invitae), Labcorp
Classification: Uncertain significance for DICER1-related tumor predisposition. Last evaluated: 2025-04-08. Review status: criteria provided, single submitter. Criteria: Invitae Variant Classification Sherloc (09022015). Collection method: clinical testing. Allele origin: germline.
Comment: This sequence change replaces isoleucine, which is neutral and non-polar, with valine, which is neutral and non-polar, at codon 479 of the DICER1 protein (p.Ile479Val). This variant is not present in population databases (gnomAD no frequency). This variant has not been reported in the literature in individuals affected with DICER1-related conditions. ClinVar contains an entry for this variant (Variation ID: 1706142). Invitae Evidence Modeling of protein sequence and biophysical properties (such as structural, functional, and spatial information, amino acid conservation, physicochemical variation, residue mobility, and thermodynamic stability) indicates that this missense variant is not expected to disrupt DICER1 protein function with a negative predictive value of 95%. In summary, the available evidence is currently insufficient to determine the role of this variant in disease. Therefore, it has been classified as a Variant of Uncertain Significance.

Ambry Genetics
Classification: Uncertain significance for Hereditary cancer-predisposing syndrome. Last evaluated: 2024-10-27. Review status: criteria provided, single submitter. Criteria: Ambry Variant Classification Scheme 2023. Collection method: clinical testing. Allele origin: germline.
Comment: The p.I479V variant (also known as c.1435A>G), located in coding exon 8 of the DICER1 gene, results from an A to G substitution at nucleotide position 1435. The isoleucine at codon 479 is replaced by valine, an amino acid with highly similar properties. This amino acid position is conserved. In addition, this alteration is predicted to be tolerated by in silico analysis. Based on the available evidence, the clinical significance of this variant remains unclear.

GeneDx
Classification: Uncertain significance. Last evaluated: 2022-03-17. Review status: criteria provided, single submitter. Criteria: GeneDx Variant Classification Process June 2021. Collection method: clinical testing. Allele origin: germline. Affected: yes.
Comment: Not observed at significant frequency in large population cohorts (gnomAD); In silico analysis supports that this missense variant does not alter protein structure/function; Has not been previously published as pathogenic or benign to our knowledge

NM_177438.3(DICER1):c.1435A>G (p.Ile479Val)

Gene: DICER1 (dicer 1, ribonuclease III; minus strand). Cytogenetic location: 14q32.13.
Variant type: single nucleotide variant.
Coding change: c.1435A>G on transcript NM_177438.3 (MANE Select); coding-DNA position 1435, A replaced by G.
Protein change: p.Ile479Val; replaces isoleucine 479 with valine.
Molecular consequence: missense variant. On other transcripts: 5 prime UTR variant (1), non-coding transcript variant (6).
Genome position (GRCh38, 1-based): chr14:95,117,696, T>C on the plus strand (A>G on the coding strand, the complement: DICER1 is on the minus strand). VCF-style: chr14-95117696-T-C. GRCh37 (hg19) VCF-style: chr14-95584033-T-C.
Other names: c.1435A>G, p.Ile479Val (NM_001195573.1, NM_001271282.3, NM_001291628.2 and 13 more transcripts); c.1153A>G, p.Ile385Val (NM_001395686.1); c.1030A>G, p.Ile344Val (NM_001395687.1, NM_001395688.1, NM_001395689.1 and 3 more transcripts); c.868A>G, p.Ile290Val (NM_001395691.1); c.-134A>G (NM_001395697.1); short protein forms I290V, I344V, I385V, I479V.
Identifiers: ClinVar variation 1706142 (VCV001706142.6), dbSNP rs1293949005, ClinGen allele CA390885575.
Genomic context (GRCh38, chr14:95,117,696, plus strand): 5'-TGAATTCTGCTTCCATCTGTTTGTTGCGAGGCTGATTCTTCCCAATGCCATGTCCAGTTA[T>C]GAAATTGCTACTGATATAAGCCAGCTCTGGATCTTGTTTGCCAGCTTCCTTTATCAATCT-3'
Protein context (NP_803187.1, residues 469-489): PELAYISSNF[Ile479Val]TGHGIGKNQP